The following is an entry in ClinVar:

NM_153006.3(NAGS):c.467G>A (p.Ser156Asn)

Gene: NAGS (N-acetylglutamate synthase; plus strand). Cytogenetic location: 17q21.31.
Variant type: single nucleotide variant.
Coding change: c.467G>A on transcript NM_153006.3 (MANE Select); coding-DNA position 467, G replaced by A.
Protein change: p.Ser156Asn; replaces serine 156 with asparagine.
Molecular consequence: missense variant.
Genome position (GRCh38, 1-based): chr17:44,005,677, G>A. VCF-style: chr17-44005677-G-A. GRCh37 (hg19) VCF-style: chr17-42083045-G-A.
Other names: short protein forms S156N.
Identifiers: ClinVar variation 2421079 (VCV002421079.3), dbSNP rs1011733609, ClinGen allele CA290903453.

ClinVar aggregate classification (germline): Uncertain significance (1 of 4 stars; one submission).

Conditions:
Hyperammonemia, type III (NAGSD). Also called: Hyperammonemia due to N-acetylglutamate synthase deficiency. Identifiers: Orphanet 927, MedGen C0268543, MONDO:0009377, OMIM 237310.

Allele frequency attached by ClinVar (database versions not stated): gnomAD exomes below 0.00001; TOPMed below 0.00001; gnomAD 0.00001.
gnomAD v4.1: 5 of 1,609,856 alleles (0.00031%); highest among the groups gnomAD compares: African/African-American, 0.0027%; no homozygotes.

Submission:

Labcorp Genetics (formerly Invitae), Labcorp
Classification: Uncertain significance for Hyperammonemia, type III. Last evaluated: 2021-09-17. Review status: criteria provided, single submitter. Criteria: Invitae Variant Classification Sherloc (09022015). Collection method: clinical testing. Allele origin: germline.
Comment: This sequence change replaces serine with asparagine at codon 156 of the NAGS protein (p.Ser156Asn). The serine residue is moderately conserved and there is a small physicochemical difference between serine and asparagine. This variant is not present in population databases (ExAC no frequency). This variant has not been reported in the literature in individuals with NAGS-related conditions. Algorithms developed to predict the effect of missense changes on protein structure and function (SIFT, PolyPhen-2, Align-GVGD) all suggest that this variant is likely to be tolerated, but these predictions have not been confirmed by published functional studies and their clinical significance is uncertain. In summary, the available evidence is currently insufficient to determine the role of this variant in disease. Therefore, it has been classified as a Variant of Uncertain Significance.